The following is an entry in ClinVar:

ClinVar aggregate classification (germline): Uncertain significance (1 of 4 stars; one submission).

Submission:

GeneDx
Classification: Uncertain significance. Last evaluated: 2024-10-03. Review status: criteria provided, single submitter. Criteria: GeneDx Variant Classification Process June 2021. Collection method: clinical testing. Allele origin: germline. Affected: yes.
Comment: Not observed at significant frequency in large population cohorts (gnomAD); In silico analysis supports that this missense variant has a deleterious effect on protein structure/function; Has not been previously published as pathogenic or benign to our knowledge

NM_013275.6(ANKRD11):c.7154G>T (p.Arg2385Leu)

Gene: ANKRD11 (ankyrin repeat domain containing 11; minus strand). Cytogenetic location: 16q24.3.
Variant type: single nucleotide variant.
Coding change: c.7154G>T on transcript NM_013275.6 (MANE Select); coding-DNA position 7154, G replaced by T.
Protein change: p.Arg2385Leu; replaces arginine 2385 with leucine.
Molecular consequence: missense variant.
Genome position (GRCh38, 1-based): chr16:89,279,388, C>A on the plus strand (G>T on the coding strand, the complement: ANKRD11 is on the minus strand). VCF-style: chr16-89279388-C-A. GRCh37 (hg19) VCF-style: chr16-89345796-C-A.
Other names: c.7154G>T, p.Arg2385Leu (NM_001256182.2, NM_001256183.2); short protein forms R2385L.
Identifiers: ClinVar variation 3776478 (VCV003776478.1).